The following is an entry in ClinVar:

ClinVar aggregate classification (germline): Benign. Review status: criteria provided, single submitter (1 of 4 stars). 2 submissions from 2 submitters: Benign (1). 1 of the submissions does not count toward it. Last evaluated 2020-06-15.

Conditions:
DMXL1-related disorder. Also called: DMXL1-related condition.

Allele frequency attached by ClinVar (database versions not stated): ESP Exome Variant Server 0.03930; gnomAD 0.05876 and 0.06328; TOPMed 0.05982; gnomAD exomes 0.06639 and 0.09215; ExAC 0.08591; 1000 Genomes Project 30x 0.10275; 1000 Genomes Project 0.11062.
gnomAD v4.1: 106,485 of 1,613,648 alleles (6.6%); highest among the groups gnomAD compares: East Asian, 44%; 7,814 homozygotes.

Submissions (2):

GeneDx
Classification: Benign. Last evaluated: 2020-06-15. Review status: criteria provided, single submitter. Criteria: GeneDx Variant Classification Process June 2021. Collection method: clinical testing. Allele origin: germline. Affected: yes.

PreventionGenetics, part of Exact Sciences
Classification: Benign for DMXL1-related condition. Last evaluated: 2019-02-20. Review status: no assertion criteria provided. Collection method: clinical testing. Allele origin: germline. Not counted in ClinVar's aggregate classification.
Comment: This variant is classified as benign based on ACMG/AMP sequence variant interpretation guidelines (Richards et al. 2015 PMID: 25741868, with internal and published modifications).

NM_001290321.3(DMXL1):c.6199G>A (p.Val2067Met)

Gene: DMXL1 (Dmx like 1; plus strand). Cytogenetic location: 5q23.1.
Variant type: single nucleotide variant.
Coding change: c.6199G>A on transcript NM_001290321.3 (MANE Select); coding-DNA position 6199, G replaced by A.
Protein change: p.Val2067Met; replaces valine 2067 with methionine.
Molecular consequence: missense variant. On other transcripts: non-coding transcript variant (3).
Genome position (GRCh38, 1-based): chr5:119,170,990, G>A. VCF-style: chr5-119170990-G-A. GRCh37 (hg19) VCF-style: chr5-118506685-G-A.
Other names: c.6199G>A, p.Val2067Met (NM_001349239.2, NM_001349240.2, NM_001387933.1 and 2 more transcripts); c.5494G>A, p.Val1832Met (NM_001387937.1); c.5212G>A, p.Val1738Met (NM_001387938.1); c.6199G>A (NM_001290321.2); short protein forms V1738M, V1832M, V2067M.
Identifiers: ClinVar variation 1241259 (VCV001241259.4), dbSNP rs9790916, ClinGen allele CA3380513.